The following is an entry in ClinVar:

ClinVar aggregate classification (germline): Uncertain significance. Review status: criteria provided, multiple submitters, no conflicts (2 of 4 stars). 2 submissions from 2 submitters: Uncertain significance (2). Last evaluated 2025-09-11.

Conditions:
Hereditary cancer-predisposing syndrome. Also called: Hereditary neoplastic syndrome; Neoplastic Syndromes, Hereditary; Tumor predisposition; Hereditary Cancer Syndrome. Identifiers: Orphanet 140162, MedGen C0027672, MeSH D009386, MONDO:0015356.

Submissions (2):

Color Diagnostics, LLC DBA Color Health
Classification: Uncertain significance for Hereditary cancer-predisposing syndrome. Last evaluated: 2025-09-11. Review status: criteria provided, single submitter. Criteria: ACMG Guidelines, 2015. Collection method: clinical testing. Allele origin: germline.
Comment: This missense variant replaces valine with phenylalanine at codon 1961 of the APC protein. Computational prediction suggests that this variant may not impact protein structure and function. To our knowledge, functional studies have not been reported for this variant. This variant has not been reported in individuals affected with APC-related disorders in the literature. This variant has not been identified in the general population by the Genome Aggregation Database (gnomAD). The available evidence is insufficient to determine the role of this variant in disease conclusively. Therefore, this variant is classified as a Variant of Uncertain Significance.

Ambry Genetics
Classification: Uncertain significance for Hereditary cancer-predisposing syndrome. Last evaluated: 2025-06-26. Review status: criteria provided, single submitter. Criteria: Ambry Variant Classification Scheme 2023. Collection method: clinical testing. Allele origin: germline.
Comment: The c.5880_5881delGGinsAT variant, located in coding exon 15 of the APC gene, results from an in-frame deletion of GG and insertion of AT at nucleotide positions 5880 to 5881. This results in the substitution of the valine residue for a phenylalanine residue at codon 1961, an amino acid with highly similar properties. This amino acid position is well conserved in available vertebrate species. Missense alterations in APC are not a common cause of disease (Spier I et al. Genet Med. 2024 Feb;26(2):100992). Based on the available evidence, the clinical significance of this variant remains unclear.

NM_000038.6(APC):c.5880_5881delinsAT (p.Val1961Phe)

Gene: APC (APC regulator of Wnt signaling pathway; plus strand). Cytogenetic location: 5q22.2.
Variant type: Indel.
Coding change: c.5880_5881delinsAT on transcript NM_000038.6 (MANE Select); coding-DNA positions 5880 to 5881, GG replaced by AT.
Protein change: p.Val1961Phe; replaces valine 1961 with phenylalanine.
Molecular consequence: missense variant. On other transcripts: non-coding transcript variant (2).
Genome position (GRCh38, 1-based): chr5:112,841,474-112,841,475, GG replaced by AT. VCF-style: chr5-112841474-GG-AT. GRCh37 (hg19) VCF-style: chr5-112177171-GG-AT.
Other names: c.4728_4729delinsAT, p.Val1577Phe (NM_001407472.1, NM_001407471.1); c.5934_5935delinsAT, p.Val1979Phe (NM_001407448.1, NM_001407449.1, NM_001354896.2 and 1 more transcripts); c.5880_5881delinsAT, p.Val1961Phe (NM_001407450.1, NM_001127510.3, NM_001354895.2); c.5859_5860delinsAT, p.Val1954Phe (NM_001407451.1); c.5850_5851delinsAT, p.Val1951Phe (NM_001407452.1); c.5703_5704delinsAT, p.Val1902Phe (NM_001407453.1, NM_001354901.2); c.5631_5632delinsAT, p.Val1878Phe (NM_001407454.1, NM_001407455.1, NM_001407456.1 and 1 more transcripts); c.5577_5578delinsAT, p.Val1860Phe (NM_001407458.1, NM_001407459.1, NM_001407460.1 and 1 more transcripts); and 11 more; short protein forms V1577F, V1832F, V1878F, V1971F, V1835F, V1902F, V1936F, V1989F.
Identifiers: ClinVar variation 4120589 (VCV004120589.2).
Genomic context (GRCh38, chr5:112,841,474, plus strand): 5'-ACCAGACAGAGGGGCAGCAACTGATGAAAAGTTACAGAATTTTGCTATTGAAAATACTCC[GG>AT]TTTGCTTTTCTCATAATTCCTCTCTGAGTTCTCTCAGTGACATTGACCAAGAAAACAACA-3'
Protein context (NP_000029.2, residues 1951-1971): LQNFAIENTP[Val1961Phe]CFSHNSSLSS